The following is an entry in ClinVar:

NM_001039213.4(CEACAM16):c.1166T>C (p.Leu389Ser)

Genes: CEACAM16 (CEA cell adhesion molecule 16, tectorial membrane component; plus strand), CEACAM16-AS1 (CEACAM16, CEACAM19 and PVR antisense RNA 1; minus strand). Cytogenetic location: 19q13.32.
Variant type: single nucleotide variant.
Coding change: c.1166T>C on transcript NM_001039213.4 (MANE Select); coding-DNA position 1166, T replaced by C.
Protein change: p.Leu389Ser; replaces leucine 389 with serine.
Molecular consequence: missense variant.
Genome position (GRCh38, 1-based): chr19:44,708,086, T>C. VCF-style: chr19-44708086-T-C. GRCh37 (hg19) VCF-style: chr19-45211358-T-C.
Other names: c.1166T>C (NM_001039213.2); short protein forms L389S.
Identifiers: ClinVar variation 2662750 (VCV002662750.7), dbSNP rs773230626, ClinGen allele CA9503248.
Genomic context (GRCh38, chr19:44,708,086, plus strand): 5'-CCTGGATTGCAGGCCCCGCGCACACAGGCCGGGAGGTGGGCTTCCCCAACTGCTCGCTGT[T>C]GGTGCAGAAGCTGAACCTCACAGACACTGGCCGCTACACACTCAAGACTGTCACAGTGCA-3'
Protein context (NP_001034302.2, residues 379-399): REVGFPNCSL[Leu389Ser]VQKLNLTDTG

ClinVar aggregate classification (germline): Uncertain significance. Review status: criteria provided, multiple submitters, no conflicts (2 of 4 stars). 4 submissions from 4 submitters: Uncertain significance (4). Last evaluated 2026-08-26.

Conditions:
Inborn genetic diseases. Identifiers: MedGen C0950123, MeSH D030342.
CEACAM16-related disorder. Also called: CEACAM16-related condition.

Allele frequency attached by ClinVar (database versions not stated): gnomAD exomes 0.00002; ExAC 0.00003; gnomAD 0.00003; TOPMed 0.00003.
gnomAD v4.1: 31 of 1,612,034 alleles (0.0019%); highest among the groups gnomAD compares: African/African-American, 0.004%; no homozygotes.

Submissions (4):

GeneDx
Classification: Uncertain significance. Last evaluated: 2026-08-26. Review status: criteria provided, single submitter. Criteria: GeneDx Variant Classification Process June 2021. Collection method: clinical testing. Allele origin: germline.
Comment: In silico analysis suggests that this missense variant does not alter protein structure/function; Has not been previously published as pathogenic or benign to our knowledge

PreventionGenetics, part of Exact Sciences
Classification: Uncertain significance for CEACAM16-related condition. Last evaluated: 2026-03-24. Review status: criteria provided, single submitter. Criteria: ACMG Guidelines, 2015. Collection method: clinical testing. Allele origin: germline.
Comment: The CEACAM16 c.1166T>C variant is predicted to result in the amino acid substitution p.Leu389Ser. To our knowledge, this variant has not been reported in the literature. This variant is reported in 0.014% of alleles in individuals of African descent in gnomAD. At this time, the clinical significance of this variant is uncertain due to the absence of conclusive functional and genetic evidence.

Ambry Genetics
Classification: Uncertain significance for Inborn genetic diseases. Last evaluated: 2025-09-25. Review status: criteria provided, single submitter. Criteria: Ambry Variant Classification Scheme 2023. Collection method: clinical testing. Allele origin: germline.

Labcorp Genetics (formerly Invitae), Labcorp
Classification: Uncertain significance. Last evaluated: 2023-09-22. Review status: criteria provided, single submitter. Criteria: Invitae Variant Classification Sherloc (09022015). Collection method: clinical testing. Allele origin: germline.
Comment: In summary, the available evidence is currently insufficient to determine the role of this variant in disease. Therefore, it has been classified as a Variant of Uncertain Significance. An algorithm developed to predict the effect of missense changes on protein structure and function (PolyPhen-2) suggests that this variant is likely to be disruptive. This variant has not been reported in the literature in individuals affected with CEACAM16-related conditions. This variant is present in population databases (rs773230626, gnomAD 0.01%). This sequence change replaces leucine, which is neutral and non-polar, with serine, which is neutral and polar, at codon 389 of the CEACAM16 protein (p.Leu389Ser).